The following is an entry in ClinVar:

ClinVar aggregate classification (germline): Uncertain significance (1 of 4 stars; one submission).

Conditions:
Intellectual disability, autosomal recessive 53 (NEDHSCA). Also called: GLYCOSYLPHOSPHATIDYLINOSITOL BIOSYNTHESIS DEFECT 13; NEURODEVELOPMENTAL DISORDER WITH OR WITHOUT HYPOTONIA, SEIZURES, AND CEREBELLAR ATROPHY; Mental retardation, autosomal recessive 53. Identifiers: Orphanet 488635, MedGen C4310794, MONDO:0014832, OMIM 616917.

Submission:

Labcorp Genetics (formerly Invitae), Labcorp
Classification: Uncertain significance for Intellectual disability, autosomal recessive 53. Last evaluated: 2022-06-29. Review status: criteria provided, single submitter. Criteria: Invitae Variant Classification Sherloc (09022015). Collection method: clinical testing. Allele origin: germline.
Comment: This variant has not been reported in the literature in individuals affected with PIGG-related conditions. In summary, the available evidence is currently insufficient to determine the role of this variant in disease. Therefore, it has been classified as a Variant of Uncertain Significance. Algorithms developed to predict the effect of missense changes on protein structure and function (SIFT, PolyPhen-2, Align-GVGD) all suggest that this variant is likely to be tolerated. This variant is not present in population databases (gnomAD no frequency). This sequence change replaces lysine, which is basic and polar, with glutamic acid, which is acidic and polar, at codon 204 of the PIGG protein (p.Lys204Glu).

NM_001127178.3(PIGG):c.610A>G (p.Lys204Glu)

Gene: PIGG (phosphatidylinositol glycan anchor biosynthesis class G (EMM blood group); plus strand). Cytogenetic location: 4p16.3.
Variant type: single nucleotide variant.
Coding change: c.610A>G on transcript NM_001127178.3 (MANE Select); coding-DNA position 610, A replaced by G.
Protein change: p.Lys204Glu; replaces lysine 204 with glutamic acid.
Molecular consequence: missense variant. On other transcripts: 5 prime UTR variant (4), non-coding transcript variant (10), intron variant (1).
Genome position (GRCh38, 1-based): chr4:507,444, A>G. VCF-style: chr4-507444-A-G. GRCh37 (hg19) VCF-style: chr4-501233-A-G.
Other names: c.343A>G, p.Lys115Glu (NM_001289051.2, NM_001289053.2, NM_001289057.2 and 2 more transcripts); c.244A>G, p.Lys82Glu (NM_001289055.2); c.-278A>G (NM_001345988.2); c.610A>G, p.Lys204Glu (NM_001345989.2, NM_017733.5); c.-1016A>G (NM_001345990.2); c.-878A>G (NM_001345991.2); c.-603A>G (NM_001345994.2); c.361-1385A>G (NM_001289052.2); short protein forms K115E, K204E, K82E.
Identifiers: ClinVar variation 1944122 (VCV001944122.3), dbSNP rs2474609475, ClinGen allele CA355896825.
Genomic context (GRCh38, chr4:507,444, plus strand): 5'-ACGTGTGTTTCCCCTTCAAAGGTGGATAATAATGTCACGAGGCATTTGGATAAAGTATTA[A>G]AAAGAGGAGATTGGGACATATTAATCCTCCACTACCTGGGGCTGGACCACATTGGCCACA-3'
Protein context (NP_001120650.1, residues 194-214): NVTRHLDKVL[Lys204Glu]RGDWDILILH